The following is an entry in ClinVar:

NM_000350.3(ABCA4):c.1100-2A>T

Gene: ABCA4 (ATP binding cassette subfamily A member 4; minus strand). Cytogenetic location: 1p22.1.
Variant type: single nucleotide variant.
Coding change: c.1100-2A>T on transcript NM_000350.3 (MANE Select); the canonical splice acceptor site of the intron before coding-DNA position 1100, A replaced by T.
Molecular consequence: splice acceptor variant.
Genome position (GRCh38, 1-based): chr1:94,079,463, T>A on the plus strand (A>T on the coding strand, the complement: ABCA4 is on the minus strand). VCF-style: chr1-94079463-T-A. GRCh37 (hg19) VCF-style: chr1-94545019-T-A.
Identifiers: ClinVar variation 280916 (VCV000280916.4), dbSNP rs886042034, ClinGen allele CA10602794.
Genomic context (GRCh38, chr1:94,079,463, plus strand): 5'-AGCGATTTTGGTTAAAGGATTTGACTCCAGGCTCTGGATCAATGCATTACAAAAGGATGC[T>A]GCCAGGAGACAAGGGACAGATTTTACAGAAACTCCCCATTGCTTGTAACTCAATATAGTC-3'

ClinVar aggregate classification (germline): Pathogenic/Likely pathogenic. Review status: criteria provided, multiple submitters, no conflicts (2 of 4 stars). 2 submissions from 2 submitters: Pathogenic (1); Likely pathogenic (1). Last evaluated 2024-08-12.

Allele frequency attached by ClinVar (database versions not stated): gnomAD exomes below 0.00001.
gnomAD v4.1: 2 of 1,614,196 alleles (0.00012%); highest among the groups gnomAD compares: Non-Finnish European, 0.000085%; no homozygotes.

Submissions (2):

Labcorp Genetics (formerly Invitae), Labcorp
Classification: Likely pathogenic. Last evaluated: 2024-08-12. Review status: criteria provided, single submitter. Criteria: Invitae Variant Classification Sherloc (09022015). Collection method: clinical testing. Allele origin: germline.
Comment: This sequence change affects an acceptor splice site in intron 8 of the ABCA4 gene. It is expected to disrupt RNA splicing. Variants that disrupt the donor or acceptor splice site typically lead to a loss of protein function (PMID: 16199547), and loss-of-function variants in ABCA4 are known to be pathogenic (PMID: 10958761, 24938718, 25312043, 26780318). This variant is not present in population databases (gnomAD no frequency). This variant has not been reported in the literature in individuals affected with ABCA4-related conditions. ClinVar contains an entry for this variant (Variation ID: 280916). Algorithms developed to predict the effect of sequence changes on RNA splicing suggest that this variant may disrupt the consensus splice site. In summary, the currently available evidence indicates that the variant is pathogenic, but additional data are needed to prove that conclusively. Therefore, this variant has been classified as Likely Pathogenic.

GeneDx
Classification: Pathogenic. Last evaluated: 2016-10-17. Review status: criteria provided, single submitter. Criteria: GeneDx Variant Classification (06012015). Collection method: clinical testing. Allele origin: germline. Affected: yes.
Comment: The c.1100-2 A>T splice site variant in the ABCA4 gene destroys the canonical splice acceptor site in intron 8. It is predicted to cause abnormal gene splicing, either leading to an abnormal message that is subject to nonsense-mediated mRNA decay, or to an abnormal protein product if the message is used for protein translation. The variant was not observed in approximately 6,500 individuals of European and African American ancestry in the NHLBI Exome Sequencing Project, indicating it is not a common benign variant in these populations. Although this variant has not been previously reported to our knowledge, we consider it to be pathogenic.

Literature cited by the submitters: PubMed 16199547 (cited by Labcorp Genetics (formerly Invitae), Labcorp); PubMed 10958761 (cited by Labcorp Genetics (formerly Invitae), Labcorp); PubMed 24938718 (cited by Labcorp Genetics (formerly Invitae), Labcorp); PubMed 25312043 (cited by Labcorp Genetics (formerly Invitae), Labcorp); PubMed 26780318 (cited by Labcorp Genetics (formerly Invitae), Labcorp).